The following is an entry in ClinVar:

NM_004549.6(NDUFC2):c.207dup (p.Ala70fs)

Genes: NDUFC2 (NADH:ubiquinone oxidoreductase subunit C2; minus strand), NDUFC2-KCTD14 (NDUFC2-KCTD14 readthrough; minus strand). Cytogenetic location: 11q14.1.
Variant type: Duplication.
Coding change: c.207dup on transcript NM_004549.6 (MANE Select); coding-DNA position 207, one base duplicated (T; older notation c.207dupT).
Protein change: p.Ala70fs; shifts the reading frame from alanine 70.
Molecular consequence: frameshift variant. On other transcripts: intron variant (2).
Genome position (GRCh38, 1-based): chr11:78,073,101, A duplicated on the plus strand (T on the coding strand, the reverse complement: NDUFC2 is on the minus strand); the first of 9 consecutive A bases (chr11:78,073,101-78,073,109); duplicating any one gives the same sequence. VCF-style (leftmost placement, unchanged base first): chr11-78073100-C-CA. GRCh37 (hg19) VCF-style: chr11-77784146-C-CA.
Other names: c.207dup, p.Ala70fs (NM_001203260.2, NM_001203261.2, NM_001204054.3); c.166+6478dup (NM_001203262.2); c.167-29dup (NM_001204055.2); short protein forms A70fs.
Identifiers: ClinVar variation 4850624 (VCV004850624.1).

ClinVar aggregate classification (germline): Likely pathogenic (1 of 4 stars; one submission).

Conditions:
Mitochondrial complex I deficiency, nuclear type 36. Also called: Mitochondrial complex 1 deficiency, nuclear type 36. Identifiers: MedGen C5436935, MONDO:0030902, OMIM 619170.

Submission:

First Genomix Gene Laboratory, Genetic Diagnostics Department
Classification: Likely pathogenic for Mitochondrial complex I deficiency, nuclear type 36. Last evaluated: 2025-12-29. Review status: criteria provided, single submitter. Criteria: ACMG Guidelines, 2015. Collection method: clinical testing. Allele origin: germline. Inheritance: Autosomal recessive inheritance. Affected: no. Observed: 1 variant allele.